The following is an entry in ClinVar:

NM_000465.4(BARD1):c.35C>T (p.Pro12Leu)

Gene: BARD1 (BRCA1 associated RING domain 1; minus strand). Cytogenetic location: 2q35.
Variant type: single nucleotide variant.
Coding change: c.35C>T on transcript NM_000465.4 (MANE Select); coding-DNA position 35, C replaced by T.
Protein change: p.Pro12Leu; replaces proline 12 with leucine.
Molecular consequence: missense variant. On other transcripts: non-coding transcript variant (3).
Genome position (GRCh38, 1-based): chr2:214,809,535, G>A on the plus strand (C>T on the coding strand, the complement: BARD1 is on the minus strand). VCF-style: chr2-214809535-G-A. GRCh37 (hg19) VCF-style: chr2-215674259-G-A.
Other names: c.35C>T, p.Pro12Leu (NM_001282543.2, NM_001282545.2, NM_001282548.2 and 1 more transcripts); short protein forms P12L.
Identifiers: ClinVar variation 187331 (VCV000187331.10), dbSNP rs786203647, ClinGen allele CA197372.

ClinVar aggregate classification (germline): Uncertain significance. Review status: criteria provided, multiple submitters, no conflicts (2 of 4 stars). 2 submissions from 2 submitters: Uncertain significance (2). Last evaluated 2024-02-27.

Conditions:
Familial cancer of breast. Also called: BREAST CANCER, FAMILIAL; Hereditary breast cancer; hereditary breast carcinoma. Identifiers: Orphanet 227535, MedGen C0346153, MONDO:0016419, OMIM 114480. Disease mechanism: loss of function.
Hereditary cancer-predisposing syndrome. Also called: Neoplastic Syndromes, Hereditary; Tumor predisposition; Hereditary Cancer Syndrome; Hereditary neoplastic syndrome. Identifiers: Orphanet 140162, MedGen C0027672, MeSH D009386, MONDO:0015356.

Allele frequency attached by ClinVar (database versions not stated): gnomAD exomes below 0.00001.
gnomAD v4.1: 2 of 1,580,716 alleles (0.00013%); highest among the groups gnomAD compares: East Asian, 0.0046%; no homozygotes.

Submissions (2):

Ambry Genetics
Classification: Uncertain significance for Hereditary cancer-predisposing syndrome. Last evaluated: 2024-02-27. Review status: criteria provided, single submitter. Criteria: Ambry Variant Classification Scheme 2023. Collection method: clinical testing. Allele origin: germline.
Comment: The p.P12L variant (also known as c.35C>T), located in coding exon 1 of the BARD1 gene, results from a C to T substitution at nucleotide position 35. The proline at codon 12 is replaced by leucine, an amino acid with similar properties. This variant was not detected in 1292 individuals with biliary tract cancer and was detected at a frequency of 0.011 in 37583 controls without a personal or family history of cancer (Okawa Y et al. J Hepatol, 2023 Feb;78:333-342). This amino acid position is well conserved in available vertebrate species. In addition, this alteration is predicted to be tolerated by in silico analysis. Based on the available evidence, the clinical significance of this alteration remains unclear.

Labcorp Genetics (formerly Invitae), Labcorp
Classification: Uncertain significance for Familial cancer of breast. Last evaluated: 2023-07-17. Review status: criteria provided, single submitter. Criteria: Invitae Variant Classification Sherloc (09022015). Collection method: clinical testing. Allele origin: germline.
Comment: In summary, the available evidence is currently insufficient to determine the role of this variant in disease. Therefore, it has been classified as a Variant of Uncertain Significance. Algorithms developed to predict the effect of missense changes on protein structure and function output the following: SIFT: "Not Available"; PolyPhen-2: "Possibly Damaging"; Align-GVGD: "Not Available". The leucine amino acid residue is found in multiple mammalian species, which suggests that this missense change does not adversely affect protein function. ClinVar contains an entry for this variant (Variation ID: 187331). This variant has not been reported in the literature in individuals affected with BARD1-related conditions. This variant is not present in population databases (gnomAD no frequency). This sequence change replaces proline, which is neutral and non-polar, with leucine, which is neutral and non-polar, at codon 12 of the BARD1 protein (p.Pro12Leu).

Literature cited by the submitters: PubMed 36243179 (cited by Ambry Genetics).